The following is an entry in ClinVar:

ClinVar aggregate classification (germline): Pathogenic (1 of 4 stars; one submission).

Conditions:
Bethlem myopathy 1A. Also called: MYOPATHY, BENIGN CONGENITAL, WITH CONTRACTURES; Bethlem myopathy 1; Bethlem Muscular Dystrophy. Identifiers: Orphanet 610, MedGen CN029274, MONDO:0024530, OMIM 158810.

Submission:

Labcorp Genetics (formerly Invitae), Labcorp
Classification: Pathogenic for Bethlem myopathy 1A. Last evaluated: 2025-02-26. Review status: criteria provided, single submitter. Criteria: Invitae Variant Classification Sherloc (09022015). Collection method: clinical testing. Allele origin: germline.
Comment: This sequence change affects an acceptor splice site in intron 6 of the COL6A2 gene. It is expected to disrupt RNA splicing. Variants that disrupt the donor or acceptor splice site typically lead to a loss of protein function (PMID: 16199547), and loss-of-function variants in COL6A2 are known to be disease-causing for autosomal recessive COL6A2-related conditions (PMID: 21280092, 20976770). However, certain variants affecting donor or acceptor splice sites in the triple helical domain of COL6A2 are expected to result in in-frame exon skipping and have been reported to cause autosomal dominant COL6A2-related conditions (PMID: 18366090). This variant is not present in population databases (gnomAD no frequency). Disruption of this splice site has been observed in individuals with autosomal dominant type VI collagenopathy (PMID: 17785673, 27363342, 28688748, 28831785). ClinVar contains an entry for this variant (Variation ID: 2094722). Algorithms developed to predict the effect of sequence changes on RNA splicing suggest that this variant may disrupt the consensus splice site. For these reasons, this variant has been classified as Pathogenic.

Literature cited by the submitters: PubMed 16199547; PubMed 21280092; PubMed 20976770; PubMed 18366090; PubMed 17785673; PubMed 27363342; PubMed 28688748; PubMed 28831785.

NM_001849.4(COL6A2):c.856-1G>T

Gene: COL6A2 (collagen type VI alpha 2 chain; plus strand). Cytogenetic location: 21q22.3.
Variant type: single nucleotide variant.
Coding change: c.856-1G>T on transcript NM_001849.4 (MANE Select); the canonical splice acceptor site of the intron before coding-DNA position 856, G replaced by T.
Molecular consequence: splice acceptor variant.
Genome position (GRCh38, 1-based): chr21:46,116,008, G>T. VCF-style: chr21-46116008-G-T. GRCh37 (hg19) VCF-style: chr21-47535922-G-T.
Other names: c.856-1G>T (NM_058175.3, NM_058174.3).
Identifiers: ClinVar variation 2094722 (VCV002094722.4), dbSNP rs2516995291, ClinGen allele CA410525050.